The following is an entry in ClinVar:

NM_001035.3(RYR2):c.5685A>G (p.Gln1895=)

Gene: RYR2 (ryanodine receptor 2; plus strand). Cytogenetic location: 1q43.
Variant type: single nucleotide variant.
Coding change: c.5685A>G on transcript NM_001035.3 (MANE Select); coding-DNA position 5685, A replaced by G.
Protein change: p.Gln1895=; no amino-acid change (glutamine 1895 retained).
Molecular consequence: synonymous variant.
Genome position (GRCh38, 1-based): chr1:237,614,813, A>G. VCF-style: chr1-237614813-A-G. GRCh37 (hg19) VCF-style: chr1-237778113-A-G.
Identifiers: ClinVar variation 1987921 (VCV001987921.6), dbSNP rs2546798722, ClinGen allele CA424031625.

ClinVar aggregate classification (germline): Likely benign. Review status: criteria provided, multiple submitters, no conflicts (2 of 4 stars). 3 submissions from 3 submitters: Likely benign (3). Last evaluated 2025-07-16.

Conditions:
Cardiomyopathy (CMYO). Also called: Cardiomyopathies. Identifiers: Orphanet 167848, MedGen C0878544, MONDO:0004994, HP:0001638. Inheritance: Various modes of inheritance.
Catecholaminergic polymorphic ventricular tachycardia (CVPT). Also called: Catecholamine-induced polymorphic ventricular tachycardia. Identifiers: Orphanet 3286, MedGen C5574922, MONDO:0017990.
Catecholaminergic polymorphic ventricular tachycardia 1. Also called: VENTRICULAR TACHYCARDIA, CATECHOLAMINERGIC POLYMORPHIC, 1, WITH OR WITHOUT ATRIAL DYSFUNCTION AND/OR DILATED CARDIOMYOPATHY; RYR2-Related Catecholaminergic Polymorphic Ventricular Tachycardia; VENTRICULAR TACHYCARDIA, STRESS-INDUCED POLYMORPHIC 1. Identifiers: Orphanet 3286, MedGen C1631597, MONDO:0011484, OMIM 604772.

Allele frequency attached by ClinVar (database versions not stated): gnomAD exomes below 0.00001.
gnomAD v4.1: 3 of 1,589,138 alleles (0.00019%); highest among the groups gnomAD compares: Non-Finnish European, 0.00026%; no homozygotes.

Submissions (3):

Labcorp Genetics (formerly Invitae), Labcorp
Classification: Likely benign for Catecholaminergic polymorphic ventricular tachycardia 1. Last evaluated: 2025-07-16. Review status: criteria provided, single submitter. Criteria: Invitae Variant Classification Sherloc (09022015). Collection method: clinical testing. Allele origin: germline.

All of Us Research Program, National Institutes of Health
Classification: Likely benign for Catecholaminergic polymorphic ventricular tachycardia. Last evaluated: 2023-06-26. Review status: criteria provided, single submitter. Criteria: ACMG Guidelines, 2015. Collection method: clinical testing. Allele origin: germline. Inheritance: Autosomal dominant inheritance. Observed: 1 variant allele, 1 heterozygote.
Comment: This study involves interpretation of variants in research participants for the purpose of population health screening. Participant phenotype was not available at the time of variant classification. Additional details can be found in publication PMID: 35346344, PMCID: PMC8962531

Color Diagnostics, LLC DBA Color Health
Classification: Likely benign for Cardiomyopathy. Last evaluated: 2023-06-14. Review status: criteria provided, single submitter. Criteria: ACMG Guidelines, 2015. Collection method: clinical testing. Allele origin: germline.